The following is an entry in ClinVar:

ClinVar aggregate classification (germline): Pathogenic. Review status: criteria provided, single submitter (1 of 4 stars). 2 submissions from 2 submitters: Pathogenic (1). 1 of the submissions does not count toward it. Last evaluated 2022-07-02.

Conditions:
Rare genetic deafness. Identifiers: Orphanet 96210, MedGen C5680250.

Submissions (2):

Labcorp Genetics (formerly Invitae), Labcorp
Classification: Pathogenic. Last evaluated: 2022-07-02. Review status: criteria provided, single submitter. Criteria: Invitae Variant Classification Sherloc (09022015). Collection method: clinical testing. Allele origin: germline.
Comment: ClinVar contains an entry for this variant (Variation ID: 46309). This variant has not been reported in the literature in individuals affected with ADGRV1-related conditions. This variant is not present in population databases (gnomAD no frequency). This sequence change creates a premature translational stop signal (p.Asn957Lysfs*10) in the ADGRV1 gene. It is expected to result in an absent or disrupted protein product. Loss-of-function variants in ADGRV1 are known to be pathogenic (PMID: 19357117, 22135276, 22147658, 26226137, 30718709, 31047384, 32467589). For these reasons, this variant has been classified as Pathogenic.

Laboratory for Molecular Medicine, Mass General Brigham Personalized Medicine
Classification: Pathogenic for Rare genetic deafness. Last evaluated: 2013-02-05. Review status: no assertion criteria provided. Collection method: clinical testing. Allele origin: germline. Inheritance: Autosomal recessive inheritance. Observed: 1 variant allele. Not counted in ClinVar's aggregate classification.
Comment: The Asn957LysfsX10 variant in GPR98 has not been reported in the literature nor previously identified by our laboratory. This frameshift variant is predicted to alter the protein?s amino acid sequence beginning at position 957 and lead to a premature termination codon 10 amino acids downstream. This alteration is then predicted to lead to a truncated or absent protein. Loss-of-function of GPR98 g ene is an established disease mechanism in Usher syndrome. Therefore, this gene meets our criteria to be classified as pathogenic.

Literature cited by the submitters: PubMed 19357117 (cited by Labcorp Genetics (formerly Invitae), Labcorp); PubMed 22135276 (cited by Labcorp Genetics (formerly Invitae), Labcorp); PubMed 22147658 (cited by Labcorp Genetics (formerly Invitae), Labcorp); PubMed 26226137 (cited by Labcorp Genetics (formerly Invitae), Labcorp); PubMed 30718709 (cited by Labcorp Genetics (formerly Invitae), Labcorp); PubMed 31047384 (cited by Labcorp Genetics (formerly Invitae), Labcorp); PubMed 32467589 (cited by Labcorp Genetics (formerly Invitae), Labcorp).

NM_032119.4(ADGRV1):c.2870dup (p.Asn957fs)

Gene: ADGRV1 (adhesion G protein-coupled receptor V1; plus strand). Cytogenetic location: 5q14.3.
Variant type: Duplication.
Coding change: c.2870dup on transcript NM_032119.4 (MANE Select); coding-DNA position 2870, one base duplicated (A; older notation c.2870dupA).
Protein change: p.Asn957fs; shifts the reading frame from asparagine 957.
Genome position (GRCh38, 1-based): chr5:90,644,841, A duplicated; the last of 6 consecutive A bases (chr5:90,644,836-90,644,841); duplicating any one gives the same sequence. VCF-style (leftmost placement, unchanged base first): chr5-90644835-C-CA. GRCh37 (hg19) VCF-style: chr5-89940652-C-CA.
Other names: NM_032119.3:c.2870dupA; p.Asn957LysfsX10; short protein forms N957fs.
Identifiers: ClinVar variation 46309 (VCV000046309.9), dbSNP rs397517429, ClinGen allele CA261837.